The following is an entry in ClinVar:

ClinVar aggregate classification (germline): Uncertain significance (1 of 4 stars; one submission).

Submission:

CeGaT Center for Human Genetics Tuebingen
Classification: Uncertain significance. Last evaluated: 2025-11-01. Review status: criteria provided, single submitter. Criteria: CeGaT Center For Human Genetics Tuebingen Variant Classification Criteria Version 2. Collection method: clinical testing. Allele origin: germline. Affected: yes. Observed: 1 variant allele.
Comment: TDP2: PM2, PP3

NM_016614.3(TDP2):c.896C>T (p.Thr299Ile)

Gene: TDP2 (tyrosyl-DNA phosphodiesterase 2; minus strand). Cytogenetic location: 6p22.3.
Variant type: single nucleotide variant.
Coding change: c.896C>T on transcript NM_016614.3 (MANE Select); coding-DNA position 896, C replaced by T.
Protein change: p.Thr299Ile; replaces threonine 299 with isoleucine.
Molecular consequence: missense variant.
Genome position (GRCh38, 1-based): chr6:24,650,981, G>A on the plus strand (C>T on the coding strand, the complement: TDP2 is on the minus strand). VCF-style: chr6-24650981-G-A. GRCh37 (hg19) VCF-style: chr6-24651209-G-A.
Other names: short protein forms T299I.
Identifiers: ClinVar variation 4534570 (VCV004534570.6).
Genomic context (GRCh38, chr6:24,650,981, plus strand): 5'-AATATTCGATCAAAACGAAGTTTACAAGCAGCAGTTATTCCAAGATTAGAGTTCATTTGT[G>A]TATCCCATGTATACTGGCAATGTTTAGGTTTGCCCAAAAACTCCCAGACATCCACAATGT-3'
Protein context (NP_057698.2, residues 289-309): KPKHCQYTWD[Thr299Ile]QMNSNLGITA